The following is an entry in ClinVar:

NM_198578.4(LRRK2):c.1553A>C (p.Glu518Ala)

Gene: LRRK2 (leucine rich repeat kinase 2; plus strand). Cytogenetic location: 12q12.
Variant type: single nucleotide variant.
Coding change: c.1553A>C on transcript NM_198578.4 (MANE Select); coding-DNA position 1553, A replaced by C.
Protein change: p.Glu518Ala; replaces glutamic acid 518 with alanine.
Molecular consequence: missense variant.
Genome position (GRCh38, 1-based): chr12:40,263,798, A>C. VCF-style: chr12-40263798-A-C. GRCh37 (hg19) VCF-style: chr12-40657600-A-C.
Other names: short protein forms E518A.
Identifiers: ClinVar variation 2587231 (VCV002587231.2), dbSNP rs2499571755, ClinGen allele CA384398696.

ClinVar aggregate classification (germline): Uncertain significance (1 of 4 stars; one submission).

Conditions:
Inborn genetic diseases. Identifiers: MedGen C0950123, MeSH D030342.

Submission:

Ambry Genetics
Classification: Uncertain significance for Inborn genetic diseases. Last evaluated: 2023-06-17. Review status: criteria provided, single submitter. Criteria: Ambry Variant Classification Scheme 2023. Collection method: clinical testing. Allele origin: germline.
Comment: The p.E518A variant (also known as c.1553A>C), located in coding exon 14 of the LRRK2 gene, results from an A to C substitution at nucleotide position 1553. The glutamic acid at codon 518 is replaced by alanine, an amino acid with dissimilar properties. This amino acid position is conserved. In addition, this alteration is predicted to be tolerated by in silico analysis. Since supporting evidence is limited at this time, the clinical significance of this alteration remains unclear.